The following is an entry in ClinVar:

ClinVar aggregate classification (germline): Uncertain significance (1 of 4 stars; one submission).

gnomAD v4.1: 1 of 1,612,558 alleles (0.000062%); highest among the groups gnomAD compares: Non-Finnish European, 0.000085%; no homozygotes.

Submission:

Dasa
Classification: Uncertain significance. Last evaluated: 2026-03-19. Review status: criteria provided, single submitter. Criteria: DASA Assertion Criteria. Collection method: clinical testing. Allele origin: germline.
Comment: NM_001042492.3(NF1):c.3975-23A>G is an intronic variant. This variant is rare in population databases. The currently available literature and clinical evidence are not sufficient to establish a definitive association between this variant and the reported condition. Therefore, this variant is classified as a variant of uncertain significance.

NM_001042492.3(NF1):c.3975-23A>G

Gene: NF1 (neurofibromin 1; plus strand). Cytogenetic location: 17q11.2.
Variant type: single nucleotide variant.
Coding change: c.3975-23A>G on transcript NM_001042492.3 (MANE Select); 23 bases into the intron before coding-DNA position 3975, A replaced by G.
Molecular consequence: intron variant.
Genome position (GRCh38, 1-based): chr17:31,248,961, A>G. VCF-style: chr17-31248961-A-G. GRCh37 (hg19) VCF-style: chr17-29575979-A-G.
Other names: c.3975-23A>G (NM_000267.4).
Identifiers: ClinVar variation 4883422 (VCV004883422.2).